The following is an entry in ClinVar:

NM_001211.6(BUB1B):c.1982G>C (p.Ser661Thr)

Gene: BUB1B (BUB1 mitotic checkpoint serine/threonine kinase B; plus strand). Cytogenetic location: 15q15.1.
Variant type: single nucleotide variant.
Coding change: c.1982G>C on transcript NM_001211.6 (MANE Select); coding-DNA position 1982, G replaced by C.
Protein change: p.Ser661Thr; replaces serine 661 with threonine.
Molecular consequence: missense variant.
Genome position (GRCh38, 1-based): chr15:40,206,431, G>C. VCF-style: chr15-40206431-G-C. GRCh37 (hg19) VCF-style: chr15-40498632-G-C.
Other names: short protein forms S661T.
Identifiers: ClinVar variation 647199 (VCV000647199.12), dbSNP rs746933398, ClinGen allele CA7475911.

ClinVar aggregate classification (germline): Uncertain significance. Review status: criteria provided, multiple submitters, no conflicts (2 of 4 stars). 2 submissions from 2 submitters: Uncertain significance (2). Last evaluated 2025-12-10.

Conditions:
Inborn genetic diseases. Identifiers: MedGen C0950123, MeSH D030342.
Mosaic variegated aneuploidy syndrome 1 (MVA1). Also called: Warburton-Anyane-Yeboa syndrome. Identifiers: Orphanet 1052, MedGen C1850343, MONDO:0009759, OMIM 257300.

Allele frequency attached by ClinVar (database versions not stated): TOPMed 0.00001; ExAC 0.00012.
gnomAD v4.1: 98 of 1,614,166 alleles (0.0061%); highest among the groups gnomAD compares: South Asian, 0.076%; 1 homozygote.

Submissions (2):

Labcorp Genetics (formerly Invitae), Labcorp
Classification: Uncertain significance for Mosaic variegated aneuploidy syndrome 1. Last evaluated: 2025-12-10. Review status: criteria provided, single submitter. Criteria: Invitae Variant Classification Sherloc (09022015). Collection method: clinical testing. Allele origin: germline.
Comment: This sequence change replaces serine, which is neutral and polar, with threonine, which is neutral and polar, at codon 661 of the BUB1B protein (p.Ser661Thr). This variant is present in population databases (rs746933398, gnomAD 0.08%). This variant has not been reported in the literature in individuals affected with BUB1B-related conditions. ClinVar contains an entry for this variant (Variation ID: 647199). An algorithm developed to predict the effect of missense changes on protein structure and function (PolyPhen-2) suggests that this variant is likely to be tolerated. In summary, the available evidence is currently insufficient to determine the role of this variant in disease. Therefore, it has been classified as a Variant of Uncertain Significance.

Ambry Genetics
Classification: Uncertain significance for Inborn genetic diseases. Last evaluated: 2023-03-10. Review status: criteria provided, single submitter. Criteria: Ambry Variant Classification Scheme 2023. Collection method: clinical testing. Allele origin: germline.
Comment: The p.S661T variant (also known as c.1982G>C), located in coding exon 15 of the BUB1B gene, results from a G to C substitution at nucleotide position 1982. The serine at codon 661 is replaced by threonine, an amino acid with similar properties. This amino acid position is conserved. In addition, this alteration is predicted to be tolerated by in silico analysis. Since supporting evidence is limited at this time, the clinical significance of this alteration remains unclear.